The following is an entry in ClinVar:

NM_016341.4(PLCE1):c.2817del (p.Phe939fs)

Gene: PLCE1 (phospholipase C epsilon 1; plus strand). Cytogenetic location: 10q23.33.
Variant type: Deletion.
Coding change: c.2817del on transcript NM_016341.4 (MANE Select); coding-DNA position 2817, one base deleted (T; older notation c.2817delT).
Protein change: p.Phe939fs; shifts the reading frame from phenylalanine 939.
Molecular consequence: frameshift variant.
Genome position (GRCh38, 1-based): chr10:94,246,342, T deleted; the last of 5 consecutive T bases (chr10:94,246,338-94,246,342); deleting any one gives the same sequence. VCF-style (leftmost placement, unchanged base first): chr10-94246337-CT-C. GRCh37 (hg19) VCF-style: chr10-96006094-CT-C.
Other names: c.1893del, p.Phe631fs (NM_001165979.2); c.2817del, p.Phe939fs (NM_001288989.2); short protein forms F631fs, F939fs.
Identifiers: ClinVar variation 2630437 (VCV002630437.1), dbSNP rs2495932389, ClinGen allele CA2695201012.
Genomic context (GRCh38, chr10:94,246,337, plus strand): 5'-GGAAAATTCCCACTACTGGGTAATGCTGGATTAAGTAGCCTGACGGAAGGGGTCTTGGAT[CT>C]TTTTGCAGTGAAGGCTGTATACATGGGCCACCCTGGCATTGATATACACACTGTGTGTGT-3'

ClinVar aggregate classification (germline): Likely pathogenic (1 of 4 stars; one submission).

Conditions:
PLCE1-related disorder. Also called: PLCE1-related condition.

Submission:

PreventionGenetics, part of Exact Sciences
Classification: Likely pathogenic for PLCE1-related condition. Last evaluated: 2023-02-27. Review status: criteria provided, single submitter. Criteria: ACMG Guidelines, 2015. Collection method: clinical testing. Allele origin: germline.
Comment: The PLCE1 c.2817delT variant is predicted to result in a frameshift and premature protein termination (p.Phe939Leufs*3). To our knowledge, this variant has not been reported in the literature or in a large population database, indicating this variant is rare. Frameshift variants in PLCE1 are expected to be pathogenic. This variant is interpreted as likely pathogenic.